The following is an entry in ClinVar:

NM_002432.3(MNDA):c.516T>A (p.His172Gln)

Gene: MNDA (myeloid cell nuclear differentiation antigen; plus strand). Cytogenetic location: 1q23.1.
Variant type: single nucleotide variant.
Coding change: c.516T>A on transcript NM_002432.3 (MANE Select); coding-DNA position 516, T replaced by A.
Protein change: p.His172Gln; replaces histidine 172 with glutamine.
Molecular consequence: missense variant.
Genome position (GRCh38, 1-based): chr1:158,844,068, T>A. VCF-style: chr1-158844068-T-A. GRCh37 (hg19) VCF-style: chr1-158813858-T-A.
Other names: short protein forms H172Q.
Identifiers: ClinVar variation 1745797 (VCV001745797.2), dbSNP rs2526081986, ClinGen allele CA343039360.

ClinVar aggregate classification (germline): Uncertain significance (1 of 4 stars; one submission).

Allele frequency attached by ClinVar (database versions not stated): gnomAD exomes below 0.00001.
gnomAD v4.1: 1 of 1,613,078 alleles (0.000062%); highest among the groups gnomAD compares: South Asian, 0.0011%; no homozygotes.

Submission:

Ambry Genetics
Classification: Uncertain significance. Last evaluated: 2021-10-29. Review status: criteria provided, single submitter. Criteria: Ambry Variant Classification Scheme 2023. Collection method: clinical testing. Allele origin: germline.
Comment: The p.H172Q variant (also known as c.516T>A), located in coding exon 3 of the MNDA gene, results from a T to A substitution at nucleotide position 516. The histidine at codon 172 is replaced by glutamine, an amino acid with highly similar properties. This amino acid position is conserved. In addition, this alteration is predicted to be tolerated by in silico analysis. Since supporting evidence is limited at this time, the clinical significance of this alteration remains unclear.